The following is an entry in ClinVar:

NM_000399.5(EGR2):c.71A>G (p.Asn24Ser)

Gene: EGR2 (early growth response 2; minus strand). Cytogenetic location: 10q21.3.
Variant type: single nucleotide variant.
Coding change: c.71A>G on transcript NM_000399.5 (MANE Select); coding-DNA position 71, A replaced by G.
Protein change: p.Asn24Ser; replaces asparagine 24 with serine.
Molecular consequence: missense variant. On other transcripts: 5 prime UTR variant (2).
Genome position (GRCh38, 1-based): chr10:62,815,959, T>C on the plus strand (A>G on the coding strand, the complement: EGR2 is on the minus strand). VCF-style: chr10-62815959-T-C. GRCh37 (hg19) VCF-style: chr10-64575719-T-C.
Other names: c.71A>G, p.Asn24Ser (NM_001136177.3, NM_001136178.2); c.-80A>G (NM_001136179.3, NM_001321037.2); short protein forms N24S.
Identifiers: ClinVar variation 1370675 (VCV001370675.7), dbSNP rs985016283, ClinGen allele CA208353317.

ClinVar aggregate classification (germline): Uncertain significance. Review status: criteria provided, multiple submitters, no conflicts (2 of 4 stars). 2 submissions from 2 submitters: Uncertain significance (2). Last evaluated 2024-09-24.

Conditions:
Charcot-Marie-Tooth disease, type I (CMT1). Also called: Charcot-Marie-Tooth, Type 1; Charcot-Marie-Tooth disease type 1. Identifiers: Orphanet 65753, MedGen C0751036, MONDO:0019011.

Allele frequency attached by ClinVar (database versions not stated): gnomAD exomes below 0.00001; gnomAD 0.00001; TOPMed 0.00001.

Submissions (2):

Women's Health and Genetics/Laboratory Corporation of America, LabCorp
Classification: Uncertain significance. Last evaluated: 2024-09-24. Review status: criteria provided, single submitter. Criteria: LabCorp Variant Classification Summary - May 2015. Collection method: clinical testing. Allele origin: germline.
Comment: Variant summary: EGR2 c.71A>G (p.Asn24Ser) results in a conservative amino acid change in the encoded protein sequence. Five of five in-silico tools predict a benign effect of the variant on protein function. The variant allele was found at a frequency of 4e-06 in 251486 control chromosomes. The available data on variant occurrences in the general population are insufficient to allow any conclusion about variant significance. To our knowledge, no occurrence of c.71A>G in individuals affected with EGR2-Related Disorders and no experimental evidence demonstrating its impact on protein function have been reported. ClinVar contains an entry for this variant (Variation ID: 1370675). Based on the evidence outlined above, the variant was classified as uncertain significance.

Labcorp Genetics (formerly Invitae), Labcorp
Classification: Uncertain significance for Charcot-Marie-Tooth disease, type I. Last evaluated: 2021-10-23. Review status: criteria provided, single submitter. Criteria: Invitae Variant Classification Sherloc (09022015). Collection method: clinical testing. Allele origin: germline.
Comment: Algorithms developed to predict the effect of sequence changes on RNA splicing suggest that this variant may create or strengthen a splice site. This sequence change replaces asparagine with serine at codon 24 of the EGR2 protein (p.Asn24Ser). The asparagine residue is weakly conserved and there is a small physicochemical difference between asparagine and serine. This variant is not present in population databases (ExAC no frequency). This variant has not been reported in the literature in individuals affected with EGR2-related conditions. Algorithms developed to predict the effect of missense changes on protein structure and function output the following: SIFT: "Tolerated"; PolyPhen-2: "Benign"; Align-GVGD: "Class C0". The serine amino acid residue is found in multiple mammalian species, which suggests that this missense change does not adversely affect protein function. In summary, the available evidence is currently insufficient to determine the role of this variant in disease. Therefore, it has been classified as a Variant of Uncertain Significance.